The following is an entry in ClinVar:

NM_003401.5(XRCC4):c.894G>A (p.Lys298=)

Gene: XRCC4 (X-ray repair cross complementing 4; plus strand). Cytogenetic location: 5q14.2.
Variant type: single nucleotide variant.
Coding change: c.894G>A on transcript NM_003401.5 (MANE Select); coding-DNA position 894, G replaced by A.
Protein change: p.Lys298=; no amino-acid change (lysine 298 retained).
Molecular consequence: synonymous variant.
Genome position (GRCh38, 1-based): chr5:83,353,131, G>A. VCF-style: chr5-83353131-G-A. GRCh37 (hg19) VCF-style: chr5-82648950-G-A.
Other names: c.900G>A, p.Arg300= (NM_001318012.3, NM_022406.5); c.894G>A, p.Lys298= (NM_022550.4).
Identifiers: ClinVar variation 1654288 (VCV001654288.10), dbSNP rs374723855, ClinGen allele CA3332304.

ClinVar aggregate classification (germline): Likely benign. Review status: criteria provided, multiple submitters, no conflicts (2 of 4 stars). 2 submissions from 2 submitters: Likely benign (2). Last evaluated 2026-06-01.

Allele frequency attached by ClinVar (database versions not stated): ExAC 0.00002; TOPMed 0.00002; gnomAD 0.00003; gnomAD exomes 0.00003; ESP Exome Variant Server 0.00008.
gnomAD v4.1: 21 of 1,597,800 alleles (0.0013%); highest among the groups gnomAD compares: Admixed American, 0.0054%; no homozygotes.

Submissions (2):

CeGaT Center for Human Genetics Tuebingen
Classification: Likely benign. Last evaluated: 2026-06-01. Review status: criteria provided, single submitter. Criteria: CeGaT Center For Human Genetics Tuebingen Variant Classification Criteria Version 2. Collection method: clinical testing. Allele origin: germline. Affected: yes. Observed: 1 variant allele.
Comment: XRCC4: BP4, BP7

Labcorp Genetics (formerly Invitae), Labcorp
Classification: Likely benign. Last evaluated: 2024-11-11. Review status: criteria provided, single submitter. Criteria: Invitae Variant Classification Sherloc (09022015). Collection method: clinical testing. Allele origin: germline.